The following is an entry in ClinVar:

NM_000784.4(CYP27A1):c.1186C>G (p.Leu396Val)

Gene: CYP27A1 (cytochrome P450 family 27 subfamily A member 1; plus strand). Cytogenetic location: 2q35.
Variant type: single nucleotide variant.
Coding change: c.1186C>G on transcript NM_000784.4 (MANE Select); coding-DNA position 1186, C replaced by G.
Protein change: p.Leu396Val; replaces leucine 396 with valine.
Molecular consequence: missense variant.
Genome position (GRCh38, 1-based): chr2:218,814,381, C>G. VCF-style: chr2-218814381-C-G. GRCh37 (hg19) VCF-style: chr2-219679104-C-G.
Other names: short protein forms L396V.
Identifiers: ClinVar variation 4613951 (VCV004613951.1).

ClinVar aggregate classification (germline): Uncertain significance (1 of 4 stars; one submission).

Conditions:
Cardiovascular phenotype. Identifiers: MedGen CN230736.

gnomAD v4.1: 1 of 1,614,108 alleles (0.000062%); highest among the groups gnomAD compares: Non-Finnish European, 0.000085%; no homozygotes.

Submission:

Ambry Genetics
Classification: Uncertain significance for Cardiovascular phenotype. Last evaluated: 2025-11-02. Review status: criteria provided, single submitter. Criteria: Ambry Variant Classification Scheme 2023. Collection method: clinical testing. Allele origin: germline.
Comment: The p.L396V variant (also known as c.1186C>G), located in coding exon 7 of the CYP27A1 gene, results from a C to G substitution at nucleotide position 1186. The leucine at codon 396 is replaced by valine, an amino acid with highly similar properties. This amino acid position is conserved. In addition, this alteration is predicted to be tolerated by in silico analysis. Based on the available evidence, the clinical significance of this variant remains unclear.